The following is an entry in ClinVar:

NM_000465.4(BARD1):c.1487CAC[1] (p.Pro497del)

Gene: BARD1 (BRCA1 associated RING domain 1; minus strand). Cytogenetic location: 2q35.
Variant type: Microsatellite.
Coding change: c.1487CAC[1] on transcript NM_000465.4 (MANE Select); one copy of the 3-base unit CAC starting at c.1487; the reference has two copies in a row; one copy, 3 bases deleted.
Protein change: p.Pro497del; deletes proline 497.
Molecular consequence: inframe deletion. On other transcripts: non-coding transcript variant (3), intron variant (3).
Genome position (GRCh38, 1-based): chr2:214,767,558-214,767,560, GTG deleted on the plus strand (CAC on the coding strand, the reverse complement: BARD1 is on the minus strand); deleting any 3 consecutive bases within chr2:214,767,558-214,767,563 gives the same sequence; the position shown is the placement nearest the transcript's 3' end. VCF-style (leftmost placement, unchanged base first): chr2-214767557-AGTG-A. GRCh37 (hg19) VCF-style: chr2-215632281-AGTG-A.
Other names: c.1430CAC[1], p.Pro478del (NM_001282543.2); c.159-15005_159-15003del (NM_001282548.2); c.216-15005_216-15003del (NM_001282545.2); c.364+24737_364+24739del (NM_001282549.2); short protein forms P478del, P497del.
Identifiers: ClinVar variation 1773763 (VCV001773763.2), dbSNP rs2469443449, ClinGen allele CA2580616675.

ClinVar aggregate classification (germline): Uncertain significance (1 of 4 stars; one submission).

Conditions:
Hereditary cancer-predisposing syndrome. Also called: Hereditary Cancer Syndrome; Hereditary neoplastic syndrome; Neoplastic Syndromes, Hereditary; Tumor predisposition. Identifiers: Orphanet 140162, MedGen C0027672, MeSH D009386, MONDO:0015356.

Submission:

Ambry Genetics
Classification: Uncertain significance for Hereditary cancer-predisposing syndrome. Last evaluated: 2019-10-18. Review status: criteria provided, single submitter. Criteria: Ambry Variant Classification Scheme 2023. Collection method: clinical testing. Allele origin: germline.
Comment: The c.1490_1492delCAC variant (also known as p.P497del) is located in coding exon 6 of the BARD1 gene. This variant results from an in-frame CAC deletion at nucleotide positions 1490 to 1492. This results in the in-frame deletion of a proline at codon 497. This amino acid position is highly conserved in available vertebrate species. In addition, this alteration is predicted to be deleterious by in silico analysis (Choi Y et al. PLoS ONE. 2012; 7(10):e46688). Since supporting evidence is limited at this time, the clinical significance of this alteration remains unclear.